The following is an entry in ClinVar:

NM_000548.5(TSC2):c.3903G>A (p.Glu1301=)

Gene: TSC2 (TSC complex subunit 2; plus strand). Cytogenetic location: 16p13.3.
Variant type: single nucleotide variant.
Coding change: c.3903G>A on transcript NM_000548.5 (MANE Select); coding-DNA position 3903, G replaced by A.
Protein change: p.Glu1301=; no amino-acid change (glutamic acid 1301 retained).
Molecular consequence: synonymous variant.
Genome position (GRCh38, 1-based): chr16:2,083,714, G>A. VCF-style: chr16-2083714-G-A. GRCh37 (hg19) VCF-style: chr16-2133715-G-A.
Other names: c.3702G>A, p.Glu1234= (NM_001077183.3); c.3834G>A, p.Glu1278= (NM_001114382.3); c.3594G>A, p.Glu1198= (NM_001318827.2); c.3558G>A, p.Glu1186= (NM_001318829.2); c.3171G>A, p.Glu1057= (NM_001318831.2); c.3735G>A, p.Glu1245= (NM_001318832.2); c.3705G>A, p.Glu1235= (NM_001363528.2); c.3771G>A, p.Glu1257= (NM_001370404.1); and 2 more.
Identifiers: ClinVar variation 1126866 (VCV001126866.12), dbSNP rs1429956058, ClinGen allele CA492956150.
Genomic context (GRCh38, chr16:2,083,714, plus strand): 5'-GCCCAGCCCCACATCCAGCAGCCCCGTCTGTGTCCTCCCAGACTCCGCCGTGGTCATGGA[G>A]GAGGGAAGTCCGGGCGAGGTTCCTGTGCTGGTGGAGCCCCCAGGGTTGGAGGACGTTGAG-3'
Protein context (NP_000539.2, residues 1291-1311): VSWADSAVVM[Glu1301=]EGSPGEVPVL

ClinVar aggregate classification (germline): Conflicting classifications of pathogenicity. Review status: criteria provided, conflicting classifications (1 of 4 stars). 4 submissions from 4 submitters: Uncertain significance (1); Benign (1); Likely benign (2). Last evaluated 2025-11-03.

Conditions:
Hereditary cancer-predisposing syndrome. Also called: Neoplastic Syndromes, Hereditary; Tumor predisposition; Hereditary Cancer Syndrome; Hereditary neoplastic syndrome. Identifiers: Orphanet 140162, MedGen C0027672, MeSH D009386, MONDO:0015356.
Tuberous sclerosis 2 (TSC2). Identifiers: Orphanet 805, MedGen C1860707, MONDO:0013199, OMIM 613254.

Allele frequency attached by ClinVar (database versions not stated): TOPMed below 0.00001.

Submissions (4):

Labcorp Genetics (formerly Invitae), Labcorp
Classification: Likely benign for Tuberous sclerosis 2. Last evaluated: 2025-11-03. Review status: criteria provided, single submitter. Criteria: Invitae Variant Classification Sherloc (09022015). Collection method: clinical testing. Allele origin: germline.

Myriad Genetics, Inc.
Classification: Benign for Tuberous sclerosis 2. Last evaluated: 2025-06-02. Review status: criteria provided, single submitter. Criteria: Myriad Autosomal Dominant, Autosomal Recessive and X-Linked Classification Criteria (2023). Collection method: clinical testing. Allele origin: unknown.
Comment: This variant is considered benign. This variant is a silent/synonymous amino acid change and it is not expected to impact splicing.

Ambry Genetics
Classification: Likely benign for Hereditary cancer-predisposing syndrome. Last evaluated: 2023-05-07. Review status: criteria provided, single submitter. Criteria: Ambry Variant Classification Scheme 2023. Collection method: clinical testing. Allele origin: germline.

GeneDx
Classification: Uncertain significance. Last evaluated: 2023-05-04. Review status: criteria provided, single submitter. Criteria: GeneDx Variant Classification Process June 2021. Collection method: clinical testing. Allele origin: germline. Affected: yes.
Comment: Not observed at significant frequency in large population cohorts (gnomAD); In silico analysis supports that this variant does not alter splicing; Has not been previously published as pathogenic or benign to our knowledge